The following is an entry in ClinVar:

ClinVar aggregate classification (germline): Likely pathogenic (1 of 4 stars; one submission).

Conditions:
Neurodevelopmental disorder with hypotonia, facial dysmorphism, and brain abnormalities (NEDHFBA). Also called: EL-HATTAB-SCHMIDTS SYNDROME; PPP1R21-Related El-Hattab-Schmidts Syndrome. Identifiers: MedGen C5543591, MONDO:0859165, OMIM 619383.

gnomAD v4.1: 1 of 1,564,612 alleles (0.000064%); highest among the groups gnomAD compares: Non-Finnish European, 0.000086%; no homozygotes.

Submissions (2):

Juno Genomics, Hangzhou Juno Genomics, Inc
Classification: Likely pathogenic for Neurodevelopmental disorder with hypotonia, facial dysmorphism, and brain abnormalities. Review status: criteria provided, single submitter. Criteria: ACMG Guidelines, 2015. Collection method: clinical testing. Allele origin: germline.
Comment: Null variant in a gene where loss of function (LOF) is a known mechanism of disease.;Absent from controls (or at extremely low frequency if recessive) in Genome Aggregation Database.

Dr. Peter K. Rogan Lab, Western University
No classification provided (evidence only). Condition: Chronic lymphocytic leukemia/small lymphocytic lymphoma. Review status: no classification provided. Collection method: in vitro. Allele origin: not applicable. Functional consequence: skipped exon, retained intron. Not counted in ClinVar's aggregate classification.

NM_001135629.3(PPP1R21):c.695-2A>G

Gene: PPP1R21 (protein phosphatase 1 regulatory subunit 21; plus strand). Cytogenetic location: 2p16.3.
Variant type: single nucleotide variant.
Coding change: c.695-2A>G on transcript NM_001135629.3 (MANE Select); the canonical splice acceptor site of the intron before coding-DNA position 695, A replaced by G.
Molecular consequence: splice acceptor variant.
Genome position (GRCh38, 1-based): chr2:48,464,935, A>G. VCF-style: chr2-48464935-A-G. GRCh37 (hg19) VCF-style: chr2-48692074-A-G.
Other names: NC_000002.11:g.48692074A>G; c.695-2A>G (NM_152994.5, NM_001193475.2).
Identifiers: ClinVar variation 4514615 (VCV004514615.3).
Genomic context (GRCh38, chr2:48,464,935, plus strand): 5'-TTAAGTTATTTTCCAGTATATGTGAAATGAGAGACTTAATGTACATTATTTTTCTTCTGT[A>G]GAATATAGTCAGTACAACGCTCTGAACGTTCCACTCCACAATAGGAGACACCAGGTAAAG-3'